The following is an entry in ClinVar:

ClinVar aggregate classification (germline): Uncertain significance (1 of 4 stars; one submission).

Conditions:
Neurodevelopmental disorder with hypotonia and variable intellectual and behavioral abnormalities. Identifiers: MedGen C5231423, MONDO:0032829, OMIM 618603.

Submission:

Laboratorio de Genetica e Diagnostico Molecular, Hospital Israelita Albert Einstein
Classification: Uncertain significance for Neurodevelopmental disorder with hypotonia and variable intellectual and behavioral abnormalities. Last evaluated: 2024-05-08. Review status: criteria provided, single submitter. Criteria: ACMG Guidelines, 2015. Collection method: clinical testing. Allele origin: germline. Affected: yes.
Comment: ACMG classification criteria: PM2 supporting, PP2 supporting

NM_000937.5(POLR2A):c.1945G>T (p.Ala649Ser)

Gene: POLR2A (RNA polymerase II subunit A; plus strand). Cytogenetic location: 17p13.1.
Variant type: single nucleotide variant.
Coding change: c.1945G>T on transcript NM_000937.5 (MANE Select); coding-DNA position 1945, G replaced by T.
Protein change: p.Ala649Ser; replaces alanine 649 with serine.
Molecular consequence: missense variant.
Genome position (GRCh38, 1-based): chr17:7,501,003, G>T. VCF-style: chr17-7501003-G-T. GRCh37 (hg19) VCF-style: chr17-7404322-G-T.
Other names: short protein forms A649S.
Identifiers: ClinVar variation 4056754 (VCV004056754.1).